The following is an entry in ClinVar:

NM_015896.4(ZMYND10):c.1291G>A (p.Val431Ile)

Gene: ZMYND10 (zinc finger MYND-type containing 10; minus strand). Cytogenetic location: 3p21.31.
Variant type: single nucleotide variant.
Coding change: c.1291G>A on transcript NM_015896.4 (MANE Select); coding-DNA position 1291, G replaced by A.
Protein change: p.Val431Ile; replaces valine 431 with isoleucine.
Molecular consequence: missense variant.
Genome position (GRCh38, 1-based): chr3:50,341,442, C>T on the plus strand (G>A on the coding strand, the complement: ZMYND10 is on the minus strand). VCF-style: chr3-50341442-C-T. GRCh37 (hg19) VCF-style: chr3-50378873-C-T.
Other names: c.1276G>A, p.Val426Ile (NM_001308379.2); short protein forms V431I, V426I.
Identifiers: ClinVar variation 961694 (VCV000961694.8), dbSNP rs201258677, ClinGen allele CA2416922.

ClinVar aggregate classification (germline): Uncertain significance. Review status: criteria provided, multiple submitters, no conflicts (2 of 4 stars). 3 submissions from 3 submitters: Uncertain significance (3). Last evaluated 2024-04-04.

Conditions:
Primary ciliary dyskinesia 22. Also called: CILIARY DYSKINESIA, PRIMARY, 22, WITH OR WITHOUT SITUS INVERSUS. Identifiers: Orphanet 244, MedGen C3809543, MONDO:0014192, OMIM 615444.
Primary ciliary dyskinesia. Also called: Ciliary dyskinesia. Identifiers: Orphanet 244, MedGen C0008780, MONDO:0016575, HP:0012265.

Allele frequency attached by ClinVar (database versions not stated): ExAC 0.00007; gnomAD exomes 0.00007 and 0.00011; ESP Exome Variant Server 0.00008; TOPMed 0.00010; gnomAD 0.00011.
gnomAD v4.1: 180 of 1,614,118 alleles (0.011%); highest among the groups gnomAD compares: Non-Finnish European, 0.015%; 1 homozygote.

Submissions (3):

ARUP Laboratories, Molecular Genetics and Genomics, ARUP Laboratories
Classification: Uncertain significance for Primary ciliary dyskinesia 22. Last evaluated: 2024-04-04. Review status: criteria provided, single submitter. Criteria: ARUP Molecular Germline Variant Investigation Process 2024. Collection method: clinical testing. Allele origin: germline.
Comment: The ZMYND10 c.1291G>A; p.Val431Ile variant (rs201258677), to our knowledge, is not reported in the medical literature but is reported in ClinVar (Variation ID: 961694). This variant is found in the non-Finnish European population with an allele frequency of 0.018% (23/129,174 alleles, including one homozygote) in the Genome Aggregation Database (v2.1.1). Computational analyses predict that this variant is neutral (REVEL: 0.02). However, given the lack of clinical and functional data, the significance of this variant is uncertain at this time.

Labcorp Genetics (formerly Invitae), Labcorp
Classification: Uncertain significance for Primary ciliary dyskinesia. Last evaluated: 2023-09-26. Review status: criteria provided, single submitter. Criteria: Invitae Variant Classification Sherloc (09022015). Collection method: clinical testing. Allele origin: germline.
Comment: This variant has not been reported in the literature in individuals affected with ZMYND10-related conditions. This sequence change replaces valine, which is neutral and non-polar, with isoleucine, which is neutral and non-polar, at codon 431 of the ZMYND10 protein (p.Val431Ile). This variant is present in population databases (rs201258677, gnomAD 0.02%), including at least one homozygous and/or hemizygous individual. ClinVar contains an entry for this variant (Variation ID: 961694). Advanced modeling of protein sequence and biophysical properties (such as structural, functional, and spatial information, amino acid conservation, physicochemical variation, residue mobility, and thermodynamic stability) performed at Invitae indicates that this missense variant is not expected to disrupt ZMYND10 protein function. In summary, the available evidence is currently insufficient to determine the role of this variant in disease. Therefore, it has been classified as a Variant of Uncertain Significance.

UNC Molecular Genetics  Laboratory, University of North Carolina at Chapel Hill
Classification: Uncertain significance for Primary ciliary dyskinesia. Last evaluated: 2019-02-28. Review status: criteria provided, single submitter. Criteria: ACMG Guidelines, 2015. Collection method: clinical testing. Allele origin: germline. Affected: yes. Observed: 1 heterozygote.